The following is an entry in ClinVar:

NM_000642.3(AGL):c.294A>G (p.Gly98=)

Gene: AGL (amylo-alpha-1,6-glucosidase and 4-alpha-glucanotransferase; plus strand). Cytogenetic location: 1p21.2.
Variant type: single nucleotide variant.
Coding change: c.294A>G on transcript NM_000642.3 (MANE Select); coding-DNA position 294, A replaced by G.
Protein change: p.Gly98=; no amino-acid change (glycine 98 retained).
Molecular consequence: synonymous variant.
Genome position (GRCh38, 1-based): chr1:99,862,257, A>G. VCF-style: chr1-99862257-A-G. GRCh37 (hg19) VCF-style: chr1-100327813-A-G.
Other names: c.294A>G, p.Gly98= (NM_000028.3, NM_000643.3, NM_000644.3 and 5 more transcripts); c.246A>G, p.Gly82= (NM_000646.3); c.294A>G (NM_000642.2).
Identifiers: ClinVar variation 1395533 (VCV001395533.4), dbSNP rs746550765, ClinGen allele CA966128.

ClinVar aggregate classification (germline): Conflicting classifications of pathogenicity. Review status: criteria provided, conflicting classifications (1 of 4 stars). 2 submissions from 2 submitters: Uncertain significance (1); Likely benign (1). Last evaluated 2025-08-11.

Conditions:
Inborn genetic diseases. Identifiers: MedGen C0950123, MeSH D030342.
Glycogen storage disease type III (GSD3). Also called: Cori disease; FORBES DISEASE. Identifiers: Orphanet 366, MedGen C0017922, MONDO:0009291, OMIM 232400.

Allele frequency attached by ClinVar (database versions not stated): gnomAD exomes below 0.00001 and 0.00001; ExAC 0.00001; gnomAD 0.00003; TOPMed 0.00006.
gnomAD v4.1: 9 of 1,613,864 alleles (0.00056%); highest among the groups gnomAD compares: African/African-American, 0.011%; no homozygotes.

Submissions (2):

Ambry Genetics
Classification: Likely benign for Inborn genetic diseases. Last evaluated: 2025-08-11. Review status: criteria provided, single submitter. Criteria: Ambry Variant Classification Scheme 2023. Collection method: clinical testing. Allele origin: germline.

Labcorp Genetics (formerly Invitae), Labcorp
Classification: Uncertain significance for Glycogen storage disease type III. Last evaluated: 2021-11-07. Review status: criteria provided, single submitter. Criteria: Invitae Variant Classification Sherloc (09022015). Collection method: clinical testing. Allele origin: germline.
Comment: This sequence change affects codon 98 of the AGL mRNA. It is a 'silent' change, meaning that it does not change the encoded amino acid sequence of the AGL protein. It affects a nucleotide within the consensus splice site. This variant is present in population databases (rs746550765, gnomAD 0.02%). This variant has not been reported in the literature in individuals affected with AGL-related conditions. Algorithms developed to predict the effect of sequence changes on RNA splicing suggest that this variant is not likely to affect RNA splicing. In summary, the available evidence is currently insufficient to determine the role of this variant in disease. Therefore, it has been classified as a Variant of Uncertain Significance.